The following is an entry in ClinVar:

NM_001457.4(FLNB):c.1657del (p.Arg553fs)

Gene: FLNB (filamin B; plus strand). Cytogenetic location: 3p14.3.
Variant type: Deletion.
Coding change: c.1657del on transcript NM_001457.4 (MANE Select); coding-DNA position 1657, one base deleted (C; older notation c.1657delC).
Protein change: p.Arg553fs; shifts the reading frame from arginine 553.
Molecular consequence: frameshift variant.
Genome position (GRCh38, 1-based): chr3:58,105,126, C deleted; the last of 2 consecutive C bases (chr3:58,105,125-58,105,126); deleting either gives the same sequence. VCF-style (leftmost placement, unchanged base first): chr3-58105124-TC-T. GRCh37 (hg19) VCF-style: chr3-58090851-TC-T.
Other names: c.1657del, p.Arg553fs (NM_001164317.2, NM_001164318.2, NM_001164319.2); short protein forms R553fs.
Identifiers: ClinVar variation 3252144 (VCV003252144.1), dbSNP rs1186121232.

ClinVar aggregate classification (germline): Uncertain significance (1 of 4 stars; one submission).

Submission:

GeneDx
Classification: Uncertain significance. Last evaluated: 2023-08-15. Review status: criteria provided, single submitter. Criteria: GeneDx Variant Classification Process June 2021. Collection method: clinical testing. Allele origin: germline. Affected: yes.
Comment: Frameshift variant predicted to result in protein truncation or nonsense mediated decay in a gene for which loss of function is a known mechanism of disease; Has not been previously published as pathogenic or benign to our knowledge